The following is an entry in ClinVar:

NM_004484.4(GPC3):c.989C>T (p.Ser330Phe)

Gene: GPC3 (glypican 3; minus strand). Cytogenetic location: Xq26.2.
Variant type: single nucleotide variant.
Coding change: c.989C>T on transcript NM_004484.4 (MANE Select); coding-DNA position 989, C replaced by T.
Protein change: p.Ser330Phe; replaces serine 330 with phenylalanine.
Molecular consequence: missense variant.
Genome position (GRCh38, 1-based): chrX:133,753,525, G>A on the plus strand (C>T on the coding strand, the complement: GPC3 is on the minus strand). VCF-style: chrX-133753525-G-A. GRCh37 (hg19) VCF-style: chrX-132887552-G-A.
Other names: c.989C>T, p.Ser330Phe (NM_001164617.2); c.941C>T, p.Ser314Phe (NM_001164618.2); c.827C>T, p.Ser276Phe (NM_001164619.2); short protein forms S276F, S314F, S330F.
Identifiers: ClinVar variation 2786829 (VCV002786829.3), dbSNP rs1357007941, ClinGen allele CA414705096.

ClinVar aggregate classification (germline): Uncertain significance (1 of 4 stars; one submission).

Conditions:
Wilms tumor 1 (WT1). Also called: Wilms tumor, somatic. Identifiers: Orphanet 654, MedGen CN033288, MONDO:0008679, OMIM 194070.

Submission:

Labcorp Genetics (formerly Invitae), Labcorp
Classification: Uncertain significance for Wilms tumor 1. Last evaluated: 2023-04-30. Review status: criteria provided, single submitter. Criteria: Invitae Variant Classification Sherloc (09022015). Collection method: clinical testing. Allele origin: germline.
Comment: This variant is not present in population databases (gnomAD no frequency). This sequence change replaces serine, which is neutral and polar, with phenylalanine, which is neutral and non-polar, at codon 330 of the GPC3 protein (p.Ser330Phe). This variant has not been reported in the literature in individuals affected with GPC3-related conditions. In summary, the available evidence is currently insufficient to determine the role of this variant in disease. Therefore, it has been classified as a Variant of Uncertain Significance. Advanced modeling of protein sequence and biophysical properties (such as structural, functional, and spatial information, amino acid conservation, physicochemical variation, residue mobility, and thermodynamic stability) performed at Invitae indicates that this missense variant is expected to disrupt GPC3 protein function.